The following is an entry in ClinVar:

NM_024548.4(CEP97):c.926A>G (p.Gln309Arg)

Gene: CEP97 (centrosomal protein 97; plus strand). Cytogenetic location: 3q12.3.
Variant type: single nucleotide variant.
Coding change: c.926A>G on transcript NM_024548.4 (MANE Select); coding-DNA position 926, A replaced by G.
Protein change: p.Gln309Arg; replaces glutamine 309 with arginine.
Molecular consequence: missense variant.
Genome position (GRCh38, 1-based): chr3:101,757,095, A>G. VCF-style: chr3-101757095-A-G. GRCh37 (hg19) VCF-style: chr3-101475939-A-G.
Other names: c.926A>G, p.Gln309Arg (NM_001303401.2); c.824A>G, p.Gln275Arg (NM_001410784.1, NM_001410785.1); short protein forms Q309R, Q275R.
Identifiers: ClinVar variation 3719789 (VCV003719789.2).

ClinVar aggregate classification (germline): Uncertain significance (1 of 4 stars; one submission).

Submission:

Labcorp Genetics (formerly Invitae), Labcorp
Classification: Uncertain significance. Last evaluated: 2024-10-30. Review status: criteria provided, single submitter. Criteria: Invitae Variant Classification Sherloc (09022015). Collection method: clinical testing. Allele origin: germline.
Comment: This sequence change replaces glutamine, which is neutral and polar, with arginine, which is basic and polar, at codon 309 of the CEP97 protein (p.Gln309Arg). This variant is not present in population databases (gnomAD no frequency). This variant has not been reported in the literature in individuals affected with CEP97-related conditions. Invitae Evidence Modeling of protein sequence and biophysical properties (such as structural, functional, and spatial information, amino acid conservation, physicochemical variation, residue mobility, and thermodynamic stability) indicates that this missense variant is not expected to disrupt CEP97 protein function with a negative predictive value of 80%. In summary, the available evidence is currently insufficient to determine the role of this variant in disease. Therefore, it has been classified as a Variant of Uncertain Significance.